The following is an entry in ClinVar:

NM_003738.5(PTCH2):c.287A>T (p.Glu96Val)

Gene: PTCH2 (patched 2; minus strand). Cytogenetic location: 1p34.1.
Variant type: single nucleotide variant.
Coding change: c.287A>T on transcript NM_003738.5 (MANE Select); coding-DNA position 287, A replaced by T.
Protein change: p.Glu96Val; replaces glutamic acid 96 with valine.
Molecular consequence: missense variant.
Genome position (GRCh38, 1-based): chr1:44,832,320, T>A on the plus strand (A>T on the coding strand, the complement: PTCH2 is on the minus strand). VCF-style: chr1-44832320-T-A. GRCh37 (hg19) VCF-style: chr1-45297992-T-A.
Other names: c.287A>T, p.Glu96Val (NM_001166292.2); short protein forms E96V.
Identifiers: ClinVar variation 2072453 (VCV002072453.3), dbSNP rs765216838, ClinGen allele CA823676.

ClinVar aggregate classification (germline): Uncertain significance (1 of 4 stars; one submission).

Conditions:
Gorlin syndrome. Also called: Basal cell nevus syndrome; Nevoid Basal Cell Carcinoma Syndrome. Identifiers: Orphanet 377, MedGen C0004779, MONDO:0007187.

Allele frequency attached by ClinVar (database versions not stated): TOPMed below 0.00001; gnomAD exomes 0.00002; ExAC 0.00006.

Submission:

Labcorp Genetics (formerly Invitae), Labcorp
Classification: Uncertain significance for Gorlin syndrome. Last evaluated: 2022-04-23. Review status: criteria provided, single submitter. Criteria: Invitae Variant Classification Sherloc (09022015). Collection method: clinical testing. Allele origin: germline.
Comment: In summary, the available evidence is currently insufficient to determine the role of this variant in disease. Therefore, it has been classified as a Variant of Uncertain Significance. Algorithms developed to predict the effect of sequence changes on RNA splicing suggest that this variant may create or strengthen a splice site. Algorithms developed to predict the effect of missense changes on protein structure and function are either unavailable or do not agree on the potential impact of this missense change (SIFT: "Deleterious"; PolyPhen-2: "Probably Damaging"; Align-GVGD: "Class C0"). This missense change has been observed in individual(s) with congenital hydrocephalus (PMID: 33077954). This variant is present in population databases (rs765216838, gnomAD 0.04%), and has an allele count higher than expected for a pathogenic variant. This sequence change replaces glutamic acid, which is acidic and polar, with valine, which is neutral and non-polar, at codon 96 of the PTCH2 protein (p.Glu96Val).

Literature cited by the submitters: PubMed 33077954.